The following is an entry in ClinVar:

NM_001256071.3(RNF213):c.447G>A (p.Gln149=)

Gene: RNF213 (ring finger protein 213; plus strand). Cytogenetic location: 17q25.3.
Variant type: single nucleotide variant.
Coding change: c.447G>A on transcript NM_001256071.3 (MANE Select); coding-DNA position 447, G replaced by A.
Protein change: p.Gln149=; no amino-acid change (glutamine 149 retained).
Molecular consequence: synonymous variant.
Genome position (GRCh38, 1-based): chr17:80,288,000, G>A. VCF-style: chr17-80288000-G-A. GRCh37 (hg19) VCF-style: chr17-78261799-G-A.
Other names: c.594G>A, p.Gln198= (NM_001410195.1, NM_020914.5); c.447G>A, p.Gln149= (NM_020954.4).
Identifiers: ClinVar variation 2648403 (VCV002648403.25), dbSNP rs184474799, ClinGen allele CA8819249.

ClinVar aggregate classification (germline): Benign/Likely benign. Review status: criteria provided, multiple submitters, no conflicts (2 of 4 stars). 2 submissions from 2 submitters: Benign (1); Likely benign (1). Last evaluated 2025-12-03.

Allele frequency attached by ClinVar (database versions not stated): gnomAD exomes 0.00007; gnomAD 0.00012; TOPMed 0.00016; 1000 Genomes Project 30x 0.00062; ExAC 0.00063; 1000 Genomes Project 0.00080.
gnomAD v4.1: 115 of 1,588,632 alleles (0.0072%); highest among the groups gnomAD compares: East Asian, 0.25%; 1 homozygote.

Submissions (2):

Labcorp Genetics (formerly Invitae), Labcorp
Classification: Benign. Last evaluated: 2025-12-03. Review status: criteria provided, single submitter. Criteria: Invitae Variant Classification Sherloc (09022015). Collection method: clinical testing. Allele origin: germline.

CeGaT Center for Human Genetics Tuebingen
Classification: Likely benign. Last evaluated: 2022-12-01. Review status: criteria provided, single submitter. Criteria: CeGaT Center For Human Genetics Tuebingen Variant Classification Criteria Version 2. Collection method: clinical testing. Allele origin: germline. Affected: yes. Observed: 1 variant allele.
Comment: RNF213: BP4, BP7